The following is an entry in ClinVar:

ClinVar aggregate classification (germline): Conflicting classifications of pathogenicity. Review status: criteria provided, conflicting classifications (1 of 4 stars). 2 submissions from 2 submitters: Uncertain significance (1); Likely benign (1). Last evaluated 2023-05-01.

Conditions:
Noonan syndrome 4 (NS4). Also called: SOS1-Related Noonan Syndrome; NOONAN SYNDROME WITH PIGMENTED VILLONODULAR SYNOVITIS. Identifiers: Orphanet 648, MedGen C1853120, MONDO:0012547, OMIM 610733.
Fibromatosis, gingival, 1 (GINGF1). Identifiers: Orphanet 2024, MedGen C4551558, MONDO:0007609, OMIM 135300.

Submissions (2):

CeGaT Center for Human Genetics Tuebingen
Classification: Likely benign. Last evaluated: 2023-05-01. Review status: criteria provided, single submitter. Criteria: CeGaT Center For Human Genetics Tuebingen Variant Classification Criteria Version 2. Collection method: clinical testing. Allele origin: germline. Affected: yes. Observed: 2 variant alleles.
Comment: SOS1: BS1

Fulgent Genetics
Classification: Uncertain significance for Fibromatosis, gingival, 1; Noonan syndrome 4. Last evaluated: 2021-07-28. Review status: criteria provided, single submitter. Criteria: ACMG Guidelines, 2015. Collection method: clinical testing. Allele origin: unknown.

NM_005633.4(SOS1):c.*1694del

Gene: SOS1 (SOS Ras/Rac guanine nucleotide exchange factor 1; minus strand). Cytogenetic location: 2p22.1.
Variant type: Deletion.
Coding change: c.*1694del on transcript NM_005633.4 (MANE Select); 1694 bases downstream of the stop codon, one base deleted (T; older notation c.*1694delT).
Molecular consequence: 3 prime UTR variant.
Genome position (GRCh38, 1-based): chr2:38,984,130, A deleted on the plus strand (T on the coding strand, the reverse complement: SOS1 is on the minus strand); the first of 5 consecutive A bases (chr2:38,984,130-38,984,134); deleting any one gives the same sequence. VCF-style (leftmost placement, unchanged base first): chr2-38984129-TA-T. GRCh37 (hg19) VCF-style: chr2-39211270-TA-T.
Other names: c.*1694del (NM_001382394.1, NM_001382395.1).
Identifiers: ClinVar variation 335989 (VCV000335989.30), dbSNP rs767903412, ClinGen allele CA10615213.